The following is an entry in ClinVar:

NM_182641.4(BPTF):c.206G>C (p.Gly69Ala)

Gene: BPTF (bromodomain PHD finger transcription factor; plus strand). Cytogenetic location: 17q24.2.
Variant type: single nucleotide variant.
Coding change: c.206G>C on transcript NM_182641.4 (MANE Select); coding-DNA position 206, G replaced by C.
Protein change: p.Gly69Ala; replaces glycine 69 with alanine.
Molecular consequence: missense variant.
Genome position (GRCh38, 1-based): chr17:67,825,930, G>C. VCF-style: chr17-67825930-G-C. GRCh37 (hg19) VCF-style: chr17-65822046-G-C.
Other names: c.206G>C, p.Gly69Ala (NM_004459.7); c.206G>C (NM_182641.3); short protein forms G69A.
Identifiers: ClinVar variation 2439545 (VCV002439545.8), dbSNP rs1244643578, ClinGen allele CA400715480.
Genomic context (GRCh38, chr17:67,825,930, plus strand): 5'-GCAGGTGGGCCGCCGCCCAGGCTGAGGTGGCGCCCAAGACGCGGCTGAGCTCGCCCAGGG[G>C]GGGCAGCAGTAGCCGGAGGAAGCCGCCGCCGCCGCCGCCGGCCCCCCCCAGCACCAGCGC-3'
Protein context (NP_872579.2, residues 59-79): APKTRLSSPR[Gly69Ala]GSSSRRKPPP

ClinVar aggregate classification (germline): Uncertain significance. Review status: criteria provided, multiple submitters, no conflicts (2 of 4 stars). 3 submissions from 3 submitters: Uncertain significance (3). Last evaluated 2026-04-15.

Conditions:
Neurodevelopmental disorder with dysmorphic facies and distal limb anomalies. Identifiers: Orphanet 686482, MedGen C4540327, MONDO:0060596, OMIM 617755.
Inborn genetic diseases. Identifiers: MedGen C0950123, MeSH D030342.

Allele frequency attached by ClinVar (database versions not stated): 1000 Genomes Project 30x 0.00016.
gnomAD v4.1: 36 of 1,015,724 alleles (0.0035%); highest among the groups gnomAD compares: African/African-American, 0.01%; no homozygotes.

Submissions (3):

Ambry Genetics
Classification: Uncertain significance for Inborn genetic diseases. Last evaluated: 2026-04-15. Review status: criteria provided, single submitter. Criteria: Ambry Variant Classification Scheme 2023. Collection method: clinical testing. Allele origin: germline.
Comment: The c.206G>C (p.G69A) alteration is located in exon 1 (coding exon 1) of the BPTF gene. This alteration results from a G to C substitution at nucleotide position 206, causing the glycine (G) at amino acid position 69 to be replaced by an alanine (A). Based on data from gnomAD, the C allele has an overall frequency of 0.004% (1/25452) total alleles studied. The highest observed frequency was 0.008% (1/13336) of European (non-Finnish) alleles. Based on insufficient or conflicting evidence, the clinical significance of this alteration remains unclear.

Revvity Omics, Revvity
Classification: Uncertain significance for Neurodevelopmental disorder with dysmorphic facies and distal limb anomalies. Last evaluated: 2024-06-12. Review status: criteria provided, single submitter. Criteria: ACMG Guidelines, 2015. Collection method: clinical testing. Allele origin: germline.

Labcorp Genetics (formerly Invitae), Labcorp
Classification: Uncertain significance. Last evaluated: 2024-04-16. Review status: criteria provided, single submitter. Criteria: Invitae Variant Classification Sherloc (09022015). Collection method: clinical testing. Allele origin: germline.
Comment: This sequence change replaces glycine, which is neutral and non-polar, with alanine, which is neutral and non-polar, at codon 69 of the BPTF protein (p.Gly69Ala). This variant is present in population databases (no rsID available, gnomAD 0.007%). This variant has not been reported in the literature in individuals affected with BPTF-related conditions. ClinVar contains an entry for this variant (Variation ID: 2439545). Experimental studies and prediction algorithms are not available or were not evaluated, and the functional significance of this variant is currently unknown. In summary, the available evidence is currently insufficient to determine the role of this variant in disease. Therefore, it has been classified as a Variant of Uncertain Significance.